The following is an entry in ClinVar:

NM_000545.8(HNF1A):c.955G>A (p.Gly319Ser)

Gene: HNF1A (HNF1 homeobox A; plus strand). Cytogenetic location: 12q24.31.
Variant type: single nucleotide variant.
Coding change: c.955G>A on transcript NM_000545.8 (MANE Select); coding-DNA position 955, G replaced by A.
Protein change: p.Gly319Ser; replaces glycine 319 with serine.
Molecular consequence: missense variant.
Genome position (GRCh38, 1-based): chr12:120,994,405, G>A. VCF-style: chr12-120994405-G-A. GRCh37 (hg19) VCF-style: chr12-121432208-G-A.
Other names: c.955G>A, p.Gly319Ser (NM_001306179.2); c.955G>A (NM_000545.6); short protein forms G319S.
Identifiers: ClinVar variation 14934 (VCV000014934.3), dbSNP rs137853240, ClinGen allele CA124463.

ClinVar aggregate classification (germline): Uncertain significance. Review status: criteria provided, single submitter (1 of 4 stars). 2 submissions from 2 submitters: Uncertain significance (1). 1 of the submissions does not count toward it. Last evaluated 2023-04-12.

Conditions:
Diabetes mellitus type 2, susceptibility to. Identifiers: MedGen C3837967.

Allele frequency attached by ClinVar (database versions not stated): gnomAD 0.00001; gnomAD exomes 0.00001.
gnomAD v4.1: 11 of 1,587,410 alleles (0.00069%); highest among the groups gnomAD compares: Admixed American, 0.0018%; no homozygotes.

Submissions (2):

Women's Health and Genetics/Laboratory Corporation of America, LabCorp
Classification: Uncertain significance. Last evaluated: 2023-04-12. Review status: criteria provided, single submitter. Criteria: LabCorp Variant Classification Summary - May 2015. Collection method: clinical testing. Allele origin: germline.
Comment: Variant summary: HNF1A c.955G>A (p.Gly319Ser) results in a non-conservative amino acid change located in the Hepatocyte nuclear factor 1, beta isoform, C-terminal domain (IPR006897) of the encoded protein sequence. Five of five in-silico tools predict a damaging effect of the variant on protein function. This variant, located in the exonic-splice region alters the conserved last nucleotide of exon 4 adjacent to the canonical intronic splice donor site. Several computational tools predict a significant impact on normal splicing: Four predict the variant weakens the canonical 5' splice donor site. At least one publication reports experimental evidence that this variant affects mRNA splicing (Triggs-Raine_2002). Two abnormal transcripts present only in the G319S cell line included premature termination codons as a result of the inclusion of seven nucleotides from intron 4 or the deletion of exon 8. The variant allele was found at a frequency of 0.00028 in 206130 control chromosomes, predominantly at a frequency of 0.087 among the Ontario Oji-Cree nondiabetic control chromosomes (Hegele_1999). The observed variant frequency is approximately 11 fold of the estimated maximal expected allele frequency for a pathogenic variant in HNF1A causing Maturity Onset Diabetes Of The Young 3 phenotype (2.5e-05), strongly suggesting that the variant is benign. c.955G>A has been reported in the literature as a risk factor associated with a risk for Type 2 diabetes characterized by onset at an earlier age, higher postprandial plasma glucose, and lower body mass index (BMI) (Hegele_1999). These report(s) do not provide unequivocal conclusions about association of the variant with Maturity Onset Diabetes Of The Young 3. At least one publication reports experimental evidence evaluating an impact on protein function (Triggs-Raine_2002). The most pronounced variant effect results in an approximately 50% reduction in transcription ability while not affecting DNA binding or protein stability in-vitro. The combination of the reduced activity of the G319S protein and abnormal splicing transcripts has been thought to increase the susceptibility to diabetes (Li_2022). No clinical diagnostic laboratories have submitted clinical-significance assessments for this variant to ClinVar after 2014. Based on the conflicting evidence outlined above, the variant was classified as uncertain significance in association to Maturity Onset Diabetes Of The Young 3.

OMIM
Classification: risk factor for TYPE 2 DIABETES MELLITUS, SUSCEPTIBILITY TO. Last evaluated: 2002-04-02. Review status: no assertion criteria provided. Collection method: literature only. Allele origin: germline. Not counted in ClinVar's aggregate classification.

Literature cited by the submitters: PubMed 10084598 (cited by Women's Health and Genetics/Laboratory Corporation of America, LabCorp and OMIM); PubMed 16241915 (cited by Women's Health and Genetics/Laboratory Corporation of America, LabCorp); PubMed 17116178 (cited by Women's Health and Genetics/Laboratory Corporation of America, LabCorp); PubMed 17425917 (cited by Women's Health and Genetics/Laboratory Corporation of America, LabCorp); PubMed 16186275 (cited by Women's Health and Genetics/Laboratory Corporation of America, LabCorp); PubMed 11904371 (cited by Women's Health and Genetics/Laboratory Corporation of America, LabCorp and OMIM); PubMed 32041611 (cited by Women's Health and Genetics/Laboratory Corporation of America, LabCorp); PubMed 18586913 (cited by Women's Health and Genetics/Laboratory Corporation of America, LabCorp); PubMed 35299962 (cited by Women's Health and Genetics/Laboratory Corporation of America, LabCorp); PubMed 10843190 (cited by OMIM).